The following is an entry in ClinVar:

ClinVar aggregate classification (germline): Uncertain significance. Review status: criteria provided, single submitter (1 of 4 stars). 2 submissions from 2 submitters: Uncertain significance (1). 1 of the submissions does not count toward it. Last evaluated 2023-10-20.

Conditions:
CSF3R-related disorder. Also called: CSF3R-related condition.
Autosomal recessive severe congenital neutropenia due to CSF3R deficiency. Also called: Neutropenia, severe congenital, 7, autosomal recessive. Identifiers: Orphanet 420702, MedGen C4310764, MONDO:0014865, OMIM 617014.

gnomAD v4.1: 2 of 1,613,944 alleles (0.00012%); highest among the groups gnomAD compares: East Asian, 0.0022%; no homozygotes.

Submissions (2):

Labcorp Genetics (formerly Invitae), Labcorp
Classification: Uncertain significance for Autosomal recessive severe congenital neutropenia due to CSF3R deficiency. Last evaluated: 2023-10-20. Review status: criteria provided, single submitter. Criteria: Invitae Variant Classification Sherloc (09022015). Collection method: clinical testing. Allele origin: germline.
Comment: This sequence change replaces alanine, which is neutral and non-polar, with glutamic acid, which is acidic and polar, at codon 208 of the CSF3R protein (p.Ala208Glu). This variant is not present in population databases (gnomAD no frequency). This variant has not been reported in the literature in individuals affected with CSF3R-related conditions. Advanced modeling of protein sequence and biophysical properties (such as structural, functional, and spatial information, amino acid conservation, physicochemical variation, residue mobility, and thermodynamic stability) performed at Invitae indicates that this missense variant is not expected to disrupt CSF3R protein function. In summary, the available evidence is currently insufficient to determine the role of this variant in disease. Therefore, it has been classified as a Variant of Uncertain Significance.

PreventionGenetics, part of Exact Sciences
Classification: Uncertain significance for CSF3R-related condition. Last evaluated: 2024-03-31. Review status: no assertion criteria provided. Collection method: clinical testing. Allele origin: germline. Not counted in ClinVar's aggregate classification.
Comment: The CSF3R c.623C>A variant is predicted to result in the amino acid substitution p.Ala208Glu. To our knowledge, this variant has not been reported in the literature or in a large population database, indicating this variant is rare. At this time, the clinical significance of this variant is uncertain due to the absence of conclusive functional and genetic evidence.

NM_000760.4(CSF3R):c.623C>A (p.Ala208Glu)

Gene: CSF3R (colony stimulating factor 3 receptor; minus strand). Cytogenetic location: 1p34.3.
Variant type: single nucleotide variant.
Coding change: c.623C>A on transcript NM_000760.4 (MANE Select); coding-DNA position 623, C replaced by A.
Protein change: p.Ala208Glu; replaces alanine 208 with glutamic acid.
Molecular consequence: missense variant.
Genome position (GRCh38, 1-based): chr1:36,473,485, G>T on the plus strand (C>A on the coding strand, the complement: CSF3R is on the minus strand). VCF-style: chr1-36473485-G-T. GRCh37 (hg19) VCF-style: chr1-36939086-G-T.
Other names: c.623C>A, p.Ala208Glu (NM_156039.3, NM_172313.3); c.623C>A (NM_000760.3); short protein forms A208E.
Identifiers: ClinVar variation 2721805 (VCV002721805.4), dbSNP rs372288734, ClinGen allele CA339423617.